The following is an entry in ClinVar:

ClinVar aggregate classification (germline): Likely benign (1 of 4 stars; one submission).

Submission:

CeGaT Center for Human Genetics Tuebingen
Classification: Likely benign. Last evaluated: 2026-06-01. Review status: criteria provided, single submitter. Criteria: CeGaT Center For Human Genetics Tuebingen Variant Classification Criteria Version 2. Collection method: clinical testing. Allele origin: germline. Affected: yes. Observed: 1 variant allele.
Comment: KLF9: PM2:Supporting, BP4, BP7

NM_001206.4(KLF9):c.717G>T (p.Ala239=)

Gene: KLF9 (KLF transcription factor 9; minus strand). Cytogenetic location: 9q21.12.
Variant type: single nucleotide variant.
Coding change: c.717G>T on transcript NM_001206.4 (MANE Select); coding-DNA position 717, G replaced by T.
Protein change: p.Ala239=; no amino-acid change (alanine 239 retained).
Molecular consequence: synonymous variant.
Genome position (GRCh38, 1-based): chr9:70,387,794, C>A on the plus strand (G>T on the coding strand, the complement: KLF9 is on the minus strand). VCF-style: chr9-70387794-C-A. GRCh37 (hg19) VCF-style: chr9-73002710-C-A.
Identifiers: ClinVar variation 4875257 (VCV004875257.2).
Genomic context (GRCh38, chr9:70,387,794, plus strand): 5'-CCTTTCGGGGTCCATCCCTCCCTGGCTTCCACGGGCAGCACCTCACAAAGCGTTGGCCAG[C>A]GCCTTTTTCGATCGCTTGATCATGCTGGGGTGGAACTCGGTGTGCCGCCGGGCGTGCTTT-3'
Protein context (NP_001197.1, residues 229-244): HPSMIKRSKK[Ala239=]LANAL